The following is an entry in ClinVar:

NM_145290.4(ADGRA3):c.2914C>T (p.His972Tyr)

Gene: ADGRA3 (adhesion G protein-coupled receptor A3; minus strand). Cytogenetic location: 4p15.2.
Variant type: single nucleotide variant.
Coding change: c.2914C>T on transcript NM_145290.4 (MANE Select); coding-DNA position 2914, C replaced by T.
Protein change: p.His972Tyr; replaces histidine 972 with tyrosine.
Molecular consequence: missense variant.
Genome position (GRCh38, 1-based): chr4:22,388,757, G>A on the plus strand (C>T on the coding strand, the complement: ADGRA3 is on the minus strand). VCF-style: chr4-22388757-G-A. GRCh37 (hg19) VCF-style: chr4-22390380-G-A.
Other names: short protein forms H972Y.
Identifiers: ClinVar variation 3616133 (VCV003616133.2).

ClinVar aggregate classification (germline): Uncertain significance (1 of 4 stars; one submission).

gnomAD v4.1: 11 of 1,613,980 alleles (0.00068%); no homozygotes.

Submission:

Labcorp Genetics (formerly Invitae), Labcorp
Classification: Uncertain significance. Last evaluated: 2024-03-13. Review status: criteria provided, single submitter. Criteria: Invitae Variant Classification Sherloc (09022015). Collection method: clinical testing. Allele origin: germline.
Comment: This sequence change replaces histidine, which is basic and polar, with tyrosine, which is neutral and polar, at codon 972 of the ADGRA3 protein (p.His972Tyr). This variant is present in population databases (no rsID available, gnomAD 0.01%). This variant has not been reported in the literature in individuals affected with ADGRA3-related conditions. An algorithm developed to predict the effect of missense changes on protein structure and function (PolyPhen-2) suggests that this variant is likely to be tolerated. In summary, the available evidence is currently insufficient to determine the role of this variant in disease. Therefore, it has been classified as a Variant of Uncertain Significance.